The following is an entry in ClinVar:

ClinVar aggregate classification (germline): Uncertain significance (1 of 4 stars; one submission).

Conditions:
Gastrointestinal stromal tumor. Also called: Gastrointestinal stromal tumor, somatic; Gastrointestinal stroma tumor. Identifiers: Orphanet 44890, MedGen C0238198, MeSH D046152, MONDO:0011719, OMIM 606764, HP:0100723.

Submission:

Labcorp Genetics (formerly Invitae), Labcorp
Classification: Uncertain significance for Gastrointestinal stromal tumor. Last evaluated: 2024-11-26. Review status: criteria provided, single submitter. Criteria: Invitae Variant Classification Sherloc (09022015). Collection method: clinical testing. Allele origin: germline.
Comment: This sequence change replaces aspartic acid, which is acidic and polar, with alanine, which is neutral and non-polar, at codon 135 of the PDGFRA protein (p.Asp135Ala). This variant is not present in population databases (gnomAD no frequency). This variant has not been reported in the literature in individuals affected with PDGFRA-related conditions. Invitae Evidence Modeling of protein sequence and biophysical properties (such as structural, functional, and spatial information, amino acid conservation, physicochemical variation, residue mobility, and thermodynamic stability) indicates that this missense variant is not expected to disrupt PDGFRA protein function with a negative predictive value of 80%. In summary, the available evidence is currently insufficient to determine the role of this variant in disease. Therefore, it has been classified as a Variant of Uncertain Significance.

NM_006206.6(PDGFRA):c.404A>C (p.Asp135Ala)

Gene: PDGFRA (platelet derived growth factor receptor alpha; plus strand). Cytogenetic location: 4q12.
Variant type: single nucleotide variant.
Coding change: c.404A>C on transcript NM_006206.6 (MANE Select); coding-DNA position 404, A replaced by C.
Protein change: p.Asp135Ala; replaces aspartic acid 135 with alanine.
Molecular consequence: missense variant.
Genome position (GRCh38, 1-based): chr4:54,263,703, A>C. VCF-style: chr4-54263703-A-C. GRCh37 (hg19) VCF-style: chr4-55129870-A-C.
Other names: c.404A>C, p.Asp135Ala (NM_001347827.2, NM_001347829.2); c.479A>C, p.Asp160Ala (NM_001347828.2); c.443A>C, p.Asp148Ala (NM_001347830.2); short protein forms D135A, D148A, D160A.
Identifiers: ClinVar variation 3709323 (VCV003709323.2).